The following is an entry in ClinVar:

ClinVar aggregate classification (germline): Likely benign (0 of 4 stars; one submission).

Conditions:
NT5E-related disorder. Also called: NT5E-related condition.

Allele frequency attached by ClinVar (database versions not stated): gnomAD exomes below 0.00001.
gnomAD v4.1: 4 of 1,614,146 alleles (0.00025%); highest among the groups gnomAD compares: South Asian, 0.0044%; no homozygotes.

Submission:

PreventionGenetics, part of Exact Sciences
Classification: Likely benign for NT5E-related condition. Last evaluated: 2019-04-09. Review status: no assertion criteria provided. Collection method: clinical testing. Allele origin: germline.
Comment: This variant is classified as likely benign based on ACMG/AMP sequence variant interpretation guidelines (Richards et al. 2015 PMID: 25741868, with internal and published modifications).

NM_002526.4(NT5E):c.840C>A (p.Ala280=)

Gene: NT5E (5'-nucleotidase ecto; plus strand). Cytogenetic location: 6q14.3.
Variant type: single nucleotide variant.
Coding change: c.840C>A on transcript NM_002526.4 (MANE Select); coding-DNA position 840, C replaced by A.
Protein change: p.Ala280=; no amino-acid change (alanine 280 retained).
Molecular consequence: synonymous variant.
Genome position (GRCh38, 1-based): chr6:85,485,323, C>A. VCF-style: chr6-85485323-C-A. GRCh37 (hg19) VCF-style: chr6-86195041-C-A.
Other names: c.840C>A, p.Ala280= (NM_001204813.2).
Identifiers: ClinVar variation 3047447 (VCV003047447.2), dbSNP rs1388004320, ClinGen allele CA451130398.
Genomic context (GRCh38, chr6:85,485,323, plus strand): 5'-TGGGAAGTACCCATTCATAGTCACTTCTGATGATGGGCGGAAGGTTCCTGTAGTCCAGGC[C>A]TATGCTTTTGGCAAATACCTAGGCTATCTGAAGATCGAGTTTGATGAAAGAGGAAACGTC-3'
Protein context (NP_002517.1, residues 270-290): DDGRKVPVVQ[Ala280=]YAFGKYLGYL